The following is an entry in ClinVar:

ClinVar aggregate classification (germline): Uncertain significance (1 of 4 stars; one submission).

Conditions:
Left ventricular noncompaction 1 (LVNC1). Also called: LEFT VENTRICULAR NONCOMPACTION 1 WITH OR WITHOUT CONGENITAL HEART DEFECTS. Identifiers: Orphanet 54260, MedGen C1858725, MONDO:0011403, OMIM 604169.

Submission:

Labcorp Genetics (formerly Invitae), Labcorp
Classification: Uncertain significance for Left ventricular noncompaction 1. Last evaluated: 2023-07-25. Review status: criteria provided, single submitter. Criteria: Invitae Variant Classification Sherloc (09022015). Collection method: clinical testing. Allele origin: germline.
Comment: In summary, the available evidence is currently insufficient to determine the role of this variant in disease. Therefore, it has been classified as a Variant of Uncertain Significance. An algorithm developed to predict the effect of missense changes on protein structure and function (PolyPhen-2) suggests that this variant is likely to be tolerated. This variant has not been reported in the literature in individuals affected with DTNA-related conditions. This variant is not present in population databases (gnomAD no frequency). This sequence change replaces tryptophan, which is neutral and slightly polar, with arginine, which is basic and polar, at codon 337 of the DTNA protein (p.Trp337Arg).

NM_001386795.1(DTNA):c.1002-2319T>C

Gene: DTNA (dystrobrevin alpha; plus strand). Cytogenetic location: 18q12.1.
Variant type: single nucleotide variant.
Coding change: c.1002-2319T>C on transcript NM_001386795.1 (MANE Select); 2319 bases into the intron before coding-DNA position 1002, T replaced by C.
Molecular consequence: intron variant. On other transcripts: missense variant (8).
Genome position (GRCh38, 1-based): chr18:34,825,274, T>C. VCF-style: chr18-34825274-T-C. GRCh37 (hg19) VCF-style: chr18-32405238-T-C.
Other names: c.1009T>C, p.Trp337Arg (NM_001386761.1, NM_001386762.1, NM_001386775.1 and 5 more transcripts); c.1002-2319T>C (NM_001386754.1, NM_001386755.1, NM_001386760.1 and 26 more transcripts); c.603+13161T>C (NM_001198945.2); c.252-2319T>C (NM_001198943.1); c.48-2319T>C (NM_001198942.1, NM_001198944.1, NM_032980.4 and 1 more transcripts); short protein forms W337R.
Identifiers: ClinVar variation 2798822 (VCV002798822.3), dbSNP rs2518431614, ClinGen allele CA402169402.